The following is an entry in ClinVar:

ClinVar aggregate classification (germline): Uncertain significance (1 of 4 stars; one submission).

Allele frequency attached by ClinVar (database versions not stated): TOPMed below 0.00001; gnomAD exomes 0.00002.
gnomAD v4.1: 32 of 1,613,400 alleles (0.002%); highest among the groups gnomAD compares: Non-Finnish European, 0.0027%; no homozygotes.

Submission:

Labcorp Genetics (formerly Invitae), Labcorp
Classification: Uncertain significance. Last evaluated: 2022-09-07. Review status: criteria provided, single submitter. Criteria: Invitae Variant Classification Sherloc (09022015). Collection method: clinical testing. Allele origin: germline.
Comment: This sequence change replaces isoleucine, which is neutral and non-polar, with valine, which is neutral and non-polar, at codon 1940 of the SCN3A protein (p.Ile1940Val). This variant is present in population databases (no rsID available, gnomAD 0.0009%). This variant has not been reported in the literature in individuals affected with SCN3A-related conditions. Algorithms developed to predict the effect of missense changes on protein structure and function (SIFT, PolyPhen-2, Align-GVGD) all suggest that this variant is likely to be tolerated. In summary, the available evidence is currently insufficient to determine the role of this variant in disease. Therefore, it has been classified as a Variant of Uncertain Significance.

NM_006922.4(SCN3A):c.5818A>G (p.Ile1940Val)

Gene: SCN3A (sodium voltage-gated channel alpha subunit 3; minus strand). Cytogenetic location: 2q24.3.
Variant type: single nucleotide variant.
Coding change: c.5818A>G on transcript NM_006922.4 (MANE Select); coding-DNA position 5818, A replaced by G.
Protein change: p.Ile1940Val; replaces isoleucine 1940 with valine.
Molecular consequence: missense variant.
Genome position (GRCh38, 1-based): chr2:165,090,335, T>C on the plus strand (A>G on the coding strand, the complement: SCN3A is on the minus strand). VCF-style: chr2-165090335-T-C. GRCh37 (hg19) VCF-style: chr2-165946845-T-C.
Other names: c.5671A>G, p.Ile1891Val (NM_001081676.2, NM_001081677.2); short protein forms I1891V, I1940V.
Identifiers: ClinVar variation 2140311 (VCV002140311.4), dbSNP rs1306347542, ClinGen allele CA349009557.